The following is an entry in ClinVar:

NM_001267550.2(TTN):c.92059G>A (p.Gly30687Ser)

Genes: TTN (titin; minus strand), TTN-AS1 (TTN antisense RNA 1; plus strand). Cytogenetic location: 2q31.2.
Variant type: single nucleotide variant.
Coding change: c.92059G>A on transcript NM_001267550.2 (MANE Select); coding-DNA position 92059, G replaced by A.
Protein change: p.Gly30687Ser; replaces glycine 30687 with serine.
Molecular consequence: missense variant.
Genome position (GRCh38, 1-based): chr2:178,549,663, C>T on the plus strand (G>A on the coding strand, the complement: TTN is on the minus strand). VCF-style: chr2-178549663-C-T. GRCh37 (hg19) VCF-style: chr2-179414390-C-T.
Other names: c.87136G>A, p.Gly29046Ser (NM_001256850.1); c.64864G>A, p.Gly21622Ser (NM_003319.4); c.84355G>A, p.Gly28119Ser (NM_133378.4); c.65239G>A, p.Gly21747Ser (NM_133432.3); c.65440G>A, p.Gly21814Ser (NM_133437.4); short protein forms G21814S, G21622S, G21747S, G28119S, G30687S, G29046S.
Identifiers: ClinVar variation 1753785 (VCV001753785.4), dbSNP rs375190050, ClinGen allele CA1987510.

ClinVar aggregate classification (germline): Uncertain significance. Review status: criteria provided, multiple submitters, no conflicts (2 of 4 stars). 2 submissions from 2 submitters: Uncertain significance (2). Last evaluated 2026-07-06.

Conditions:
Cardiovascular phenotype. Identifiers: MedGen CN230736.

Allele frequency attached by ClinVar (database versions not stated): ExAC 0.00002; TOPMed 0.00002; gnomAD 0.00003; gnomAD exomes 0.00003; ESP Exome Variant Server 0.00008.
gnomAD v4.1: 48 of 1,613,634 alleles (0.003%); highest among the groups gnomAD compares: African/African-American, 0.004%; no homozygotes.

Submissions (2):

GeneDx
Classification: Uncertain significance. Last evaluated: 2026-07-06. Review status: criteria provided, single submitter. Criteria: GeneDx Variant Classification Process June 2021. Collection method: clinical testing. Allele origin: germline.
Comment: Reported in association with DCM; however, detailed clinical information was not provided (PMID: 30858397); Missense variant in a gene in which most reported pathogenic variants are truncating/loss of function; Not observed at significant frequency in large population cohorts (gnomAD); This variant is associated with the following publications: (PMID: 30858397)

Ambry Genetics
Classification: Uncertain significance for Cardiovascular phenotype. Last evaluated: 2018-10-26. Review status: criteria provided, single submitter. Criteria: Ambry Variant Classification Scheme 2023. Collection method: clinical testing. Allele origin: germline.
Comment: The p.G21622S variant (also known as c.64864G>A), located in coding exon 165 of the TTN gene, results from a G to A substitution at nucleotide position 64864. The glycine at codon 21622 is replaced by serine, an amino acid with similar properties. This amino acid position is well conserved in available vertebrate species. In addition, this alteration is predicted to be tolerated by in silico analysis. Since supporting evidence is limited at this time, the clinical significance of this alteration remains unclear.